The following is an entry in ClinVar:

NM_030632.3(ASXL3):c.953G>T (p.Gly318Val)

Gene: ASXL3 (ASXL transcriptional regulator 3; plus strand). Cytogenetic location: 18q12.1.
Variant type: single nucleotide variant.
Coding change: c.953G>T on transcript NM_030632.3 (MANE Select); coding-DNA position 953, G replaced by T.
Protein change: p.Gly318Val; replaces glycine 318 with valine.
Molecular consequence: missense variant.
Genome position (GRCh38, 1-based): chr18:33,732,041, G>T. VCF-style: chr18-33732041-G-T. GRCh37 (hg19) VCF-style: chr18-31312005-G-T.
Other names: short protein forms G318V.
Identifiers: ClinVar variation 1690542 (VCV001690542.2), dbSNP rs2145397060, ClinGen allele CA402171681.

ClinVar aggregate classification (germline): Uncertain significance (1 of 4 stars; one submission).

Submission:

Laboratorio de Genetica e Diagnostico Molecular, Hospital Israelita Albert Einstein
Classification: Uncertain significance. Last evaluated: 2022-01-06. Review status: criteria provided, single submitter. Criteria: ACMG Guidelines, 2015. Collection method: clinical testing. Allele origin: germline. Affected: yes.
Comment: ACMG classification criteria: PM2, BP4